The following is an entry in ClinVar:

ClinVar aggregate classification (germline): Benign. Review status: reviewed by expert panel (3 of 4 stars). 42 submissions from 41 submitters: Benign (1). 41 of the submissions do not count toward it. Last evaluated 2016-09-28.

Conditions:
BRCA2-related cancer predisposition. Identifiers: MedGen CN377758, MONDO:0700269.
Breast neoplasm. Also called: Neoplasm of breast; Breast tumor; Neoplasm of the breast; Breast Neoplasms. Identifiers: MedGen C1458155, MeSH D001943, MONDO:0021100, HP:0100013. Disease mechanism: gain of function.
Wilms tumor 1 (WT1). Also called: Wilms tumor, somatic. Identifiers: Orphanet 654, MedGen CN033288, MONDO:0008679, OMIM 194070.
Prostate cancer. Also called: Malignant tumor of prostate. Identifiers: Orphanet 1331, MedGen C0376358, MONDO:0008315, HP:0012125.
Familial cancer of breast. Also called: BREAST CANCER, FAMILIAL; Hereditary breast cancer; hereditary breast carcinoma. Identifiers: Orphanet 227535, MedGen C0346153, MONDO:0016419, OMIM 114480. Disease mechanism: loss of function.
Fanconi anemia complementation group D1. Also called: BRCA2-Related Fanconi Anemia. Identifiers: Orphanet 319462, MedGen C1838457, MONDO:0011584, OMIM 605724.
Medulloblastoma (MDB). Also called: Medulloblastoma, somatic; MEDULLOBLASTOMA PREDISPOSITION SYNDROME. Identifiers: Orphanet 616, MedGen C0025149, MeSH D008527, MONDO:0007959, OMIM 155255, HP:0002885.
Breast-ovarian cancer, familial, susceptibility to, 2 (BROVCA2). Also called: BRCA2 Hereditary Breast and Ovarian Cancer. Identifiers: Orphanet 145, MedGen C2675520, MONDO:0012933, OMIM 612555. Disease mechanism: loss of function.
Pancreatic cancer, susceptibility to, 2. Identifiers: Orphanet 1333, MedGen C3150546, MONDO:0013235, OMIM 613347.
Glioma susceptibility 3 (GLM3). Also called: Glioblastoma 3. Identifiers: Orphanet 182067, Orphanet 360, MedGen C2751641, MONDO:0013093, OMIM 613029.
Hereditary cancer-predisposing syndrome. Also called: Hereditary Cancer Syndrome; Tumor predisposition; Hereditary neoplastic syndrome; Neoplastic Syndromes, Hereditary. Identifiers: Orphanet 140162, MedGen C0027672, MeSH D009386, MONDO:0015356.
Breast and/or ovarian cancer. Identifiers: MedGen CN221562.
Hereditary breast ovarian cancer syndrome. Also called: Hereditary breast and/or ovarian cancer syndrome; Hereditary breast and ovarian cancer syndrome; Hereditary breast and ovarian cancer syndrome (HBOC); Hereditary breast and ovarian cancer; Breast and ovarian cancer; BRCA1- and BRCA2-Associated Hereditary Breast and Ovarian Cancer. Identifiers: Orphanet 145, MedGen C0677776, MeSH D061325, MONDO:0003582. Disease mechanism: loss of function.

Allele frequency attached by ClinVar (database versions not stated): gnomAD exomes 0.00439 and 0.01935; gnomAD 0.00895 and 0.00868; 1000 Genomes Project 30x 0.01874; ESP Exome Variant Server 0.00161; ExAC 0.01436; 1000 Genomes Project 0.01597; TOPMed 0.01609.
gnomAD v4.1: 7,771 of 1,614,070 alleles (0.48%); highest among the groups gnomAD compares: Admixed American, 12%; 495 homozygotes.

Submissions 1 to 19 of 42:

Evidence-based Network for the Interpretation of Germline Mutant Alleles (ENIGMA)
Classification: Benign for Breast-ovarian cancer, familial, susceptibility to, 2. Last evaluated: 2016-09-28. Review status: reviewed by expert panel. Criteria: ENIGMA BRCA1/2 Classification Criteria (2015). Collection method: curation. Allele origin: germline.
Comment: Class 1 not pathogenic based on frequency >1% in an outbred sampleset. Frequency 0.1066 (Admixed American/Latino), derived from 1000 genomes (2013-05-02).

Labcorp Genetics (formerly Invitae), Labcorp
Classification: Benign for Hereditary breast ovarian cancer syndrome. Last evaluated: 2026-02-04. Review status: criteria provided, single submitter. Criteria: Invitae Variant Classification Sherloc (09022015). Collection method: clinical testing. Allele origin: germline. Not counted in ClinVar's aggregate classification.

ARUP Laboratories, Molecular Genetics and Genomics, ARUP Laboratories
Classification: Benign. Last evaluated: 2025-07-24. Review status: criteria provided, single submitter. Criteria: ARUP Molecular Germline Variant Investigation Process 2024. Collection method: clinical testing. Allele origin: germline. Not counted in ClinVar's aggregate classification.

Center for Genomic Medicine, Rigshospitalet, Copenhagen University Hospital
Classification: Benign. Last evaluated: 2025-03-04. Review status: criteria provided, single submitter. Criteria: ACMG Guidelines, 2015. Collection method: clinical testing. Allele origin: germline. Not counted in ClinVar's aggregate classification.

KCCC/NGS Laboratory, Kuwait Cancer Control Center
Classification: Benign for Familial cancer of breast. Last evaluated: 2025-02-01. Review status: criteria provided, single submitter. Criteria: ACMG Guidelines, 2015. Collection method: clinical testing. Allele origin: germline. Affected: no. Not counted in ClinVar's aggregate classification.

Blueprint Genetics
Classification: Likely benign. Last evaluated: 2024-11-25. Review status: criteria provided, single submitter. Criteria: ACMG Guidelines, 2015. Collection method: clinical testing. Allele origin: germline. Not counted in ClinVar's aggregate classification.

All of Us Research Program, National Institutes of Health
Classification: Benign for BRCA2-related cancer predisposition. Last evaluated: 2024-09-27. Review status: criteria provided, single submitter. Criteria: ACMG Guidelines, 2015. Collection method: clinical testing. Allele origin: germline. Inheritance: Autosomal dominant inheritance. Observed: 2,947 variant alleles, 2,789 heterozygotes, 158 homozygotes. Not counted in ClinVar's aggregate classification.
Comment: This study involves interpretation of variants in research participants for the purpose of population health screening. Participant phenotype was not available at the time of variant classification. Additional details can be found in publication PMID: 35346344, PMCID: PMC8962531

KCCC/NGS Laboratory, Kuwait Cancer Control Center
Classification: Benign for Breast-ovarian cancer, familial, susceptibility to, 2. Last evaluated: 2023-07-07. Review status: criteria provided, single submitter. Criteria: ACMG Guidelines, 2015. Collection method: clinical testing. Allele origin: germline. Affected: yes. Not counted in ClinVar's aggregate classification.

Fulgent Genetics
Classification: Benign for Familial cancer of breast; Medulloblastoma; Familial prostate cancer; Wilms tumor 1; Fanconi anemia complementation group D1; Breast-ovarian cancer, familial, susceptibility to, 2; Glioma susceptibility 3; Pancreatic cancer, susceptibility to, 2. Last evaluated: 2022-05-09. Review status: criteria provided, single submitter. Criteria: ACMG Guidelines, 2015. Collection method: clinical testing. Allele origin: unknown. Not counted in ClinVar's aggregate classification.

National Health Laboratory Service, Universitas Academic Hospital and University of the Free State
Classification: Benign for Hereditary breast ovarian cancer syndrome. Last evaluated: 2021-11-16. Review status: criteria provided, single submitter. Criteria: ACMG Guidelines, 2015. Collection method: clinical testing. Allele origin: germline. Affected: yes. Observed: 1 variant allele. Not counted in ClinVar's aggregate classification.

Genetics Program, Instituto Nacional de Cancer
Classification: Benign for Hereditary breast ovarian cancer syndrome. Last evaluated: 2021-11-01. Review status: criteria provided, single submitter. Criteria: ACMG Guidelines, 2015. Collection method: research. Allele origin: germline. Affected: yes. Not counted in ClinVar's aggregate classification.

Sema4
Classification: Benign for Hereditary cancer-predisposing syndrome. Last evaluated: 2020-06-25. Review status: criteria provided, single submitter. Criteria: Sema4 Curation Guidelines. Collection method: curation. Allele origin: germline. Not counted in ClinVar's aggregate classification.

Illumina Laboratory Services, Illumina
Classification: Benign for Breast-ovarian cancer, familial, susceptibility to, 2. Last evaluated: 2018-01-29. Review status: criteria provided, single submitter. Criteria: ICSL Variant Classification Criteria 13 December 2019. Collection method: clinical testing. Allele origin: germline. Not counted in ClinVar's aggregate classification.
Comment: This variant was observed as part of a predisposition screen in an ostensibly healthy population. A literature search was performed for the gene, cDNA change, and amino acid change (where applicable). Publications were found based on this search. The evidence from the literature, in combination with allele frequency data from public databases where available, was sufficient to rule this variant out of causing disease. Therefore, this variant is classified as benign.

Cancer Genetics and Genomics Laboratory, British Columbia Cancer Agency
Classification: Benign. Last evaluated: 2017-04-19. Review status: criteria provided, single submitter. Criteria: ACMG Guidelines, 2015. Collection method: clinical testing. Allele origin: germline. Study: The Canadian Open Genetics Repository (COGR). Not counted in ClinVar's aggregate classification.

Baylor Genetics
Classification: Benign for Familial cancer of breast. Last evaluated: 2017-02-23. Review status: criteria provided, single submitter. Criteria: ACMG Guidelines, 2015. Collection method: clinical testing. Allele origin: germline. Inheritance: Autosomal dominant inheritance. Affected: no. Not counted in ClinVar's aggregate classification.

CHEO Genetics Diagnostic Laboratory, Children's Hospital of Eastern Ontario
Classification: Benign for Breast and/or ovarian cancer. Last evaluated: 2016-11-11. Review status: criteria provided, single submitter. Criteria: ACMG Guidelines, 2015. Collection method: clinical testing. Allele origin: germline. Study: Canadian Open Genetics Repository. Not counted in ClinVar's aggregate classification.

Center for Pediatric Genomic Medicine, Children's Mercy Hospital and Clinics
Classification: Benign. Last evaluated: 2016-05-17. Review status: criteria provided, single submitter. Criteria: ACMG Guidelines, 2015. Collection method: clinical testing. Allele origin: germline. Not counted in ClinVar's aggregate classification.

Vantari Genetics
Classification: Benign for Hereditary cancer-predisposing syndrome. Last evaluated: 2015-12-01. Review status: criteria provided, single submitter. Criteria: ACMG Guidelines, 2015. Collection method: clinical testing. Allele origin: germline. Not counted in ClinVar's aggregate classification.

Clinical Genetics DNA and cytogenetics Diagnostics Lab, Erasmus MC, Erasmus Medical Center
Classification: Likely benign for Breast-ovarian cancer, familial, susceptibility to, 2. Last evaluated: 2015-09-21. Review status: criteria provided, single submitter. Criteria: ACGS Guidelines, 2013. Collection method: clinical testing. Allele origin: germline. Affected: yes. Study: VKGL Data-share Consensus. Not counted in ClinVar's aggregate classification.

NM_000059.4(BRCA2):c.7469T>C (p.Ile2490Thr)

Gene: BRCA2 (BRCA2 DNA repair associated; plus strand). Cytogenetic location: 13q13.1.
Variant type: single nucleotide variant.
Coding change: c.7469T>C on transcript NM_000059.4 (MANE Select); coding-DNA position 7469, T replaced by C.
Protein change: p.Ile2490Thr; replaces isoleucine 2490 with threonine.
Molecular consequence: missense variant.
Genome position (GRCh38, 1-based): chr13:32,356,461, T>C. VCF-style: chr13-32356461-T-C. GRCh37 (hg19) VCF-style: chr13-32930598-T-C.
Other names: NP_000050.3:p.Ile2490Thr; 7697T>C; short protein forms I2490T.
Identifiers: ClinVar variation 96852 (VCV000096852.124), dbSNP rs11571707, ClinGen allele CA025105.